The following is an entry in ClinVar:

ClinVar aggregate classification (germline): Likely pathogenic (1 of 4 stars; one submission).

Conditions:
Ataxia-telangiectasia syndrome (AT). Also called: LOUIS-BAR SYNDROME; Ataxia telangiectasia (A-T); Cerebello-oculocutaneous telangiectasia; Immunodeficiency with ataxia telangiectasia; ATAXIA-TELANGIECTASIA, COMPLEMENTATION GROUP A; ATAXIA-TELANGIECTASIA, FRESNO VARIANT. Identifiers: Orphanet 100, MedGen C0004135, MONDO:0008840, OMIM 208900.

Submission:

Labcorp Genetics (formerly Invitae), Labcorp
Classification: Likely pathogenic for Ataxia-telangiectasia syndrome. Last evaluated: 2019-11-12. Review status: criteria provided, single submitter. Criteria: Invitae Variant Classification Sherloc (09022015). Collection method: clinical testing. Allele origin: germline.
Comment: This variant results in the deletion of part of exon 13 (c.1899-8_1904del) of the ATM gene. It is expected to disrupt RNA splicing and likely results in an absent or disrupted protein product. This variant has not been reported in the literature in individuals with ATM-related conditions. Loss-of-function variants in ATM are known to be pathogenic (PMID: 23807571, 25614872). In summary, the currently available evidence indicates that the variant is pathogenic, but additional data are needed to prove that conclusively. Therefore, this variant has been classified as Likely Pathogenic.

Literature cited by the submitters: PubMed 23807571; PubMed 25614872.

NM_000051.4(ATM):c.1899-8_1904del

Gene: ATM (ATM serine/threonine kinase; plus strand). Cytogenetic location: 11q22.3.
Variant type: Deletion.
Coding change: c.1899-8_1904del on transcript NM_000051.4 (MANE Select); 8 bases into the intron before coding-DNA position 1899 through coding-DNA position 1904, 14 bases deleted (TCTTGAAGTGAACA).
Molecular consequence: splice acceptor variant.
Genome position (GRCh38, 1-based): chr11:108,253,806-108,253,819, TCTTGAAGTGAACA deleted. VCF-style (leftmost placement, unchanged base first): chr11-108253805-TTCTTGAAGTGAACA-T. GRCh37 (hg19) VCF-style: chr11-108124532-TTCTTGAAGTGAACA-T.
Other names: c.1899-8_1904del (NM_001351834.2).
Identifiers: ClinVar variation 956017 (VCV000956017.7), dbSNP rs2080290215, ClinGen allele CA1139662160.